The following is an entry in ClinVar:

ClinVar aggregate classification (germline): Uncertain significance. Review status: criteria provided, multiple submitters, no conflicts (2 of 4 stars). 2 submissions from 2 submitters: Uncertain significance (2). Last evaluated 2025-09-22.

Conditions:
Melnick-Needles syndrome (MNS). Also called: MELNICK-NEEDLES OSTEODYSPLASTY; OSTEODYSPLASTY OF MELNICK AND NEEDLES; Melnick-Needles Syndrome (FLNA-MNS). Identifiers: Orphanet 2484, MedGen C0025237, MONDO:0010650, OMIM 309350.
Frontometaphyseal dysplasia (FMD1). Identifiers: Orphanet 1826, MedGen C0265293, MONDO:0015942.
Oto-palato-digital syndrome, type II (OPD2). Also called: FACIOPALATOOSSEOUS SYNDROME; OPD II SYNDROME; Otopalatodigital Syndrome, Type II; Otopalatodigital Syndrome Type 2 (FLNA-OPD2). Identifiers: Orphanet 669, Orphanet 90652, MedGen C1844696, MONDO:0010571, OMIM 304120.
Heterotopia, periventricular, X-linked dominant (PVNH1). Also called: PERIVENTRICULAR NODULAR HETEROTOPIA 1; X-linked periventricular heterotopia; PERIVENTRICULAR NODULAR HETEROTOPIA 4; HETEROTOPIA, PERIVENTRICULAR, 1. Identifiers: Orphanet 2149, Orphanet 82004, MedGen C1848213, MONDO:0010233, OMIM 300049.

Submissions (2):

Labcorp Genetics (formerly Invitae), Labcorp
Classification: Uncertain significance for Oto-palato-digital syndrome, type II; Heterotopia, periventricular, X-linked dominant; Frontometaphyseal dysplasia; Melnick-Needles syndrome. Last evaluated: 2025-09-22. Review status: criteria provided, single submitter. Criteria: Invitae Variant Classification Sherloc (09022015). Collection method: clinical testing. Allele origin: germline.
Comment: This sequence change replaces serine, which is neutral and polar, with threonine, which is neutral and polar, at codon 2455 of the FLNA protein (p.Ser2455Thr). This variant is not present in population databases (gnomAD no frequency). This variant has not been reported in the literature in individuals affected with FLNA-related conditions. ClinVar contains an entry for this variant (Variation ID: 4056990). Invitae Evidence Modeling of protein sequence and biophysical properties (such as structural, functional, and spatial information, amino acid conservation, physicochemical variation, residue mobility, and thermodynamic stability) indicates that this missense variant is not expected to disrupt FLNA protein function with a negative predictive value of 95%. In summary, the available evidence is currently insufficient to determine the role of this variant in disease. Therefore, it has been classified as a Variant of Uncertain Significance.

GeneDx
Classification: Uncertain significance. Last evaluated: 2025-01-07. Review status: criteria provided, single submitter. Criteria: GeneDx Variant Classification Process June 2021. Collection method: clinical testing. Allele origin: germline. Affected: yes.
Comment: Not observed at significant frequency in large population cohorts (gnomAD); In silico analysis indicates that this missense variant does not alter protein structure/function; Has not been previously published as pathogenic or benign to our knowledge

NM_001110556.2(FLNA):c.7387T>A (p.Ser2463Thr)

Gene: FLNA (filamin A; minus strand). Cytogenetic location: Xq28.
Variant type: single nucleotide variant.
Coding change: c.7387T>A on transcript NM_001110556.2 (MANE Select); coding-DNA position 7387, T replaced by A.
Protein change: p.Ser2463Thr; replaces serine 2463 with threonine.
Molecular consequence: missense variant.
Genome position (GRCh38, 1-based): chrX:154,349,814, A>T on the plus strand (T>A on the coding strand, the complement: FLNA is on the minus strand). VCF-style: chrX-154349814-A-T. GRCh37 (hg19) VCF-style: chrX-153578182-A-T.
Other names: c.7363T>A, p.Ser2455Thr (NM_001456.4); short protein forms S2455T, S2463T.
Identifiers: ClinVar variation 4056990 (VCV004056990.2).